The following is an entry in ClinVar:

ClinVar aggregate classification (germline): Benign/Likely benign. Review status: criteria provided, multiple submitters, no conflicts (2 of 4 stars). 3 submissions from 3 submitters: Benign (1); Likely benign (2). Last evaluated 2024-04-15.

Conditions:
Hereditary cancer-predisposing syndrome. Also called: Neoplastic Syndromes, Hereditary; Tumor predisposition; Hereditary Cancer Syndrome; Hereditary neoplastic syndrome. Identifiers: Orphanet 140162, MedGen C0027672, MeSH D009386, MONDO:0015356.
Familial adenomatous polyposis 1 (FAP1). Also called: FAMILIAL ADENOMATOUS POLYPOSIS 1, ATTENUATED; POLYPOSIS, ADENOMATOUS INTESTINAL. Identifiers: MedGen C2713442, MONDO:0021056, OMIM 175100. Disease mechanism: loss of function.

Allele frequency attached by ClinVar (database versions not stated): TOPMed below 0.00001; gnomAD 0.00002.
gnomAD v4.1: 3 of 1,613,796 alleles (0.00019%); highest among the groups gnomAD compares: African/African-American, 0.004%; no homozygotes.

Submissions (3):

Myriad Genetics, Inc.
Classification: Benign for Familial adenomatous polyposis 1. Last evaluated: 2024-04-15. Review status: criteria provided, single submitter. Criteria: Myriad Autosomal Dominant, Autosomal Recessive and X-Linked Classification Criteria (2023). Collection method: clinical testing. Allele origin: unknown.
Comment: This variant is considered benign. This variant is a silent/synonymous amino acid change and it is not expected to impact splicing.

Labcorp Genetics (formerly Invitae), Labcorp
Classification: Likely benign for Familial adenomatous polyposis 1. Last evaluated: 2024-04-07. Review status: criteria provided, single submitter. Criteria: Invitae Variant Classification Sherloc (09022015). Collection method: clinical testing. Allele origin: germline.

Ambry Genetics
Classification: Likely benign for Hereditary cancer-predisposing syndrome. Last evaluated: 2021-03-08. Review status: criteria provided, single submitter. Criteria: Ambry Variant Classification Scheme 2023. Collection method: clinical testing. Allele origin: germline.

NM_000038.6(APC):c.8262T>C (p.Ser2754=)

Gene: APC (APC regulator of Wnt signaling pathway; plus strand). Cytogenetic location: 5q22.2.
Variant type: single nucleotide variant.
Coding change: c.8262T>C on transcript NM_000038.6 (MANE Select); coding-DNA position 8262, T replaced by C.
Protein change: p.Ser2754=; no amino-acid change (serine 2754 retained).
Molecular consequence: synonymous variant. On other transcripts: non-coding transcript variant (2).
Genome position (GRCh38, 1-based): chr5:112,843,856, T>C. VCF-style: chr5-112843856-T-C. GRCh37 (hg19) VCF-style: chr5-112179553-T-C.
Other names: c.8262T>C, p.Ser2754= (NM_001127510.3, NM_001354895.2, NM_001407450.1); c.8208T>C, p.Ser2736= (NM_001127511.3); c.8316T>C, p.Ser2772= (NM_001354896.2, NM_001407447.1, NM_001407448.1 and 1 more transcripts); c.8292T>C, p.Ser2764= (NM_001354897.2); c.8187T>C, p.Ser2729= (NM_001354898.2); c.8178T>C, p.Ser2726= (NM_001354899.2); c.8139T>C, p.Ser2713= (NM_001354900.2); c.8085T>C, p.Ser2695= (NM_001354901.2, NM_001407453.1); and 11 more.
Identifiers: ClinVar variation 1762675 (VCV001762675.5), dbSNP rs1382030053, ClinGen allele CA446211376.